The following is an entry in ClinVar:

ClinVar aggregate classification (germline): Uncertain significance. Review status: criteria provided, multiple submitters, no conflicts (2 of 4 stars). 2 submissions from 2 submitters: Uncertain significance (2). Last evaluated 2025-06-07.

Conditions:
Inborn genetic diseases. Identifiers: MedGen C0950123, MeSH D030342.

Allele frequency attached by ClinVar (database versions not stated): ExAC 0.00001; gnomAD 0.00001; gnomAD exomes 0.00001 and 0.00002.
gnomAD v4.1: 11 of 1,613,270 alleles (0.00068%); highest among the groups gnomAD compares: South Asian, 0.0055%; no homozygotes.

Submissions (2):

Ambry Genetics
Classification: Uncertain significance for Inborn genetic diseases. Last evaluated: 2025-06-07. Review status: criteria provided, single submitter. Criteria: Ambry Variant Classification Scheme 2023. Collection method: clinical testing. Allele origin: germline.

Labcorp Genetics (formerly Invitae), Labcorp
Classification: Uncertain significance. Last evaluated: 2024-08-20. Review status: criteria provided, single submitter. Criteria: Invitae Variant Classification Sherloc (09022015). Collection method: clinical testing. Allele origin: germline.
Comment: This sequence change replaces arginine, which is basic and polar, with cysteine, which is neutral and slightly polar, at codon 882 of the EMC1 protein (p.Arg882Cys). This variant is present in population databases (rs778938462, gnomAD 0.006%). This variant has not been reported in the literature in individuals affected with EMC1-related conditions. ClinVar contains an entry for this variant (Variation ID: 939434). Invitae Evidence Modeling of protein sequence and biophysical properties (such as structural, functional, and spatial information, amino acid conservation, physicochemical variation, residue mobility, and thermodynamic stability) indicates that this missense variant is expected to disrupt EMC1 protein function with a positive predictive value of 80%. In summary, the available evidence is currently insufficient to determine the role of this variant in disease. Therefore, it has been classified as a Variant of Uncertain Significance.

NM_015047.3(EMC1):c.2644C>T (p.Arg882Cys)

Genes: EMC1 (ER membrane protein complex subunit 1; minus strand), EMC1-AS1 (EMC1 antisense RNA 1; plus strand). Cytogenetic location: 1p36.13.
Variant type: single nucleotide variant.
Coding change: c.2644C>T on transcript NM_015047.3 (MANE Select); coding-DNA position 2644, C replaced by T.
Protein change: p.Arg882Cys; replaces arginine 882 with cysteine.
Molecular consequence: missense variant.
Genome position (GRCh38, 1-based): chr1:19,220,792, G>A on the plus strand (C>T on the coding strand, the complement: EMC1 is on the minus strand). VCF-style: chr1-19220792-G-A. GRCh37 (hg19) VCF-style: chr1-19547286-G-A.
Other names: c.2641C>T, p.Arg881Cys (NM_001271427.2, NM_001271428.2); c.2578C>T, p.Arg860Cys (NM_001271429.2); c.2653C>T, p.Arg885Cys (NM_001375820.1); c.2650C>T, p.Arg884Cys (NM_001375821.1); c.2644C>T (NM_015047.1); short protein forms R860C, R881C, R882C, R885C, R884C.
Identifiers: ClinVar variation 939434 (VCV000939434.8), dbSNP rs778938462, ClinGen allele CA652201.